The following is an entry in ClinVar:

NM_000179.3(MSH6):c.3414G>A (p.Gly1138=)

Gene: MSH6 (mutS homolog 6; plus strand). Cytogenetic location: 2p16.3.
Variant type: single nucleotide variant.
Coding change: c.3414G>A on transcript NM_000179.3 (MANE Select); coding-DNA position 3414, G replaced by A.
Protein change: p.Gly1138=; no amino-acid change (glycine 1138 retained).
Molecular consequence: synonymous variant.
Genome position (GRCh38, 1-based): chr2:47,803,661, G>A. VCF-style: chr2-47803661-G-A. GRCh37 (hg19) VCF-style: chr2-48030800-G-A.
Other names: c.3024G>A, p.Gly1008= (NM_001281492.2); c.2508G>A, p.Gly836= (NM_001281493.2, NM_001281494.2).
Identifiers: ClinVar variation 455258 (VCV000455258.10), dbSNP rs1553331748, ClinGen allele CA346758912.

ClinVar aggregate classification (germline): Benign/Likely benign. Review status: criteria provided, multiple submitters, no conflicts (2 of 4 stars). 2 submissions from 2 submitters: Benign (1); Likely benign (1). Last evaluated 2025-01-06.

Conditions:
Hereditary nonpolyposis colorectal neoplasms. Identifiers: MedGen C0009405, MeSH D003123.
Lynch syndrome 5 (LYNCH5). Also called: Hereditary non-polyposis colorectal cancer, type 5; Colorectal cancer, hereditary nonpolyposis, type 5. Identifiers: Orphanet 144, MedGen C1833477, MONDO:0013710, OMIM 614350. Disease mechanism: loss of function.

Submissions (2):

Myriad Genetics, Inc.
Classification: Benign for Lynch syndrome 5. Last evaluated: 2025-01-06. Review status: criteria provided, single submitter. Criteria: Myriad Autosomal Dominant, Autosomal Recessive and X-Linked Classification Criteria (2023). Collection method: clinical testing. Allele origin: unknown.
Comment: This variant is considered benign. This variant is a silent/synonymous amino acid change and it is not expected to impact splicing.

Labcorp Genetics (formerly Invitae), Labcorp
Classification: Likely benign for Hereditary nonpolyposis colorectal neoplasms. Last evaluated: 2021-04-11. Review status: criteria provided, single submitter. Criteria: Invitae Variant Classification Sherloc (09022015). Collection method: clinical testing. Allele origin: germline.